The following is an entry in ClinVar:

NM_000260.4(MYO7A):c.1133G>C (p.Arg378Pro)

Gene: MYO7A (myosin VIIA; plus strand). Cytogenetic location: 11q13.5.
Variant type: single nucleotide variant.
Coding change: c.1133G>C on transcript NM_000260.4 (MANE Select); coding-DNA position 1133, G replaced by C.
Protein change: p.Arg378Pro; replaces arginine 378 with proline.
Molecular consequence: missense variant.
Genome position (GRCh38, 1-based): chr11:77,160,215, G>C. VCF-style: chr11-77160215-G-C. GRCh37 (hg19) VCF-style: chr11-76871261-G-C.
Other names: c.1133G>C, p.Arg378Pro (NM_001127180.2); c.1100G>C, p.Arg367Pro (NM_001369365.1); short protein forms R378P, R367P.
Identifiers: ClinVar variation 43137 (VCV000043137.5), dbSNP rs397516282, ClinGen allele CA132200.

ClinVar aggregate classification (germline): Uncertain significance (1 of 4 stars; one submission).

Submission:

Laboratory for Molecular Medicine, Mass General Brigham Personalized Medicine
Classification: Uncertain significance. Last evaluated: 2013-02-12. Review status: criteria provided, single submitter. Criteria: LMM Criteria. Collection method: clinical testing. Allele origin: germline. Observed: 1 variant allele.
Comment: The Arg378Pro variant in MYO7A has not been reported in the literature nor previ ously identified by our laboratory. Computational analyses (biochemical amino ac id properties, conservation, AlignGVGD, PolyPhen2, and SIFT) suggest that the Ar g378Pro variant may impact the protein, though this information is not predictiv e enough to determine pathogenicity. Additional data is needed to determine the clinical significance of this variant.